The following is an entry in ClinVar:

ClinVar aggregate classification (germline): Uncertain significance (1 of 4 stars; one submission).

Allele frequency attached by ClinVar (database versions not stated): gnomAD 0.00001; gnomAD exomes 0.00001; TOPMed 0.00001; ExAC 0.00002; ESP Exome Variant Server 0.00008.
gnomAD v4.1: 13 of 1,614,022 alleles (0.00081%); highest among the groups gnomAD compares: Non-Finnish European, 0.0011%; no homozygotes.

Submission:

Labcorp Genetics (formerly Invitae), Labcorp
Classification: Uncertain significance. Last evaluated: 2022-06-07. Review status: criteria provided, single submitter. Criteria: Invitae Variant Classification Sherloc (09022015). Collection method: clinical testing. Allele origin: germline.
Comment: This sequence change replaces proline, which is neutral and non-polar, with leucine, which is neutral and non-polar, at codon 313 of the TIMM50 protein (p.Pro313Leu). This variant is present in population databases (rs368490628, gnomAD 0.01%). This variant has not been reported in the literature in individuals affected with TIMM50-related conditions. Algorithms developed to predict the effect of missense changes on protein structure and function are either unavailable or do not agree on the potential impact of this missense change (SIFT: "Not Available"; PolyPhen-2: "Probably Damaging"; Align-GVGD: "Not Available"). In summary, the available evidence is currently insufficient to determine the role of this variant in disease. Therefore, it has been classified as a Variant of Uncertain Significance.

NM_001001563.5(TIMM50):c.629C>T (p.Pro210Leu)

Gene: TIMM50 (translocase of inner mitochondrial membrane 50; plus strand). Cytogenetic location: 19q13.2.
Variant type: single nucleotide variant.
Coding change: c.629C>T on transcript NM_001001563.5 (MANE Select); coding-DNA position 629, C replaced by T.
Protein change: p.Pro210Leu; replaces proline 210 with leucine.
Molecular consequence: missense variant.
Genome position (GRCh38, 1-based): chr19:39,486,428, C>T. VCF-style: chr19-39486428-C-T. GRCh37 (hg19) VCF-style: chr19-39977068-C-T.
Other names: c.290C>T, p.Pro97Leu (NM_001329559.2); short protein forms P210L, P97L.
Identifiers: ClinVar variation 1408486 (VCV001408486.5), dbSNP rs368490628, ClinGen allele CA9431917.